The following is an entry in ClinVar:

NM_002296.4(LBR):c.248G>A (p.Arg83His)

Gene: LBR (lamin B receptor; minus strand). Cytogenetic location: 1q42.12.
Variant type: single nucleotide variant.
Coding change: c.248G>A on transcript NM_002296.4 (MANE Select); coding-DNA position 248, G replaced by A.
Protein change: p.Arg83His; replaces arginine 83 with histidine.
Molecular consequence: missense variant.
Genome position (GRCh38, 1-based): chr1:225,422,195, C>T on the plus strand (G>A on the coding strand, the complement: LBR is on the minus strand). VCF-style: chr1-225422195-C-T. GRCh37 (hg19) VCF-style: chr1-225609897-C-T.
Other names: c.248G>A, p.Arg83His (NM_194442.3); short protein forms R83H.
Identifiers: ClinVar variation 2394348 (VCV002394348.6), dbSNP rs780648797, ClinGen allele CA1417529.

ClinVar aggregate classification (germline): Uncertain significance. Review status: criteria provided, multiple submitters, no conflicts (2 of 4 stars). 2 submissions from 2 submitters: Uncertain significance (2). Last evaluated 2026-01-02.

Conditions:
Inborn genetic diseases. Identifiers: MedGen C0950123, MeSH D030342.

Allele frequency attached by ClinVar (database versions not stated): gnomAD 0.00005; gnomAD exomes 0.00005; TOPMed 0.00005; ExAC 0.00002.
gnomAD v4.1: 76 of 1,613,772 alleles (0.0047%); highest among the groups gnomAD compares: Admixed American, 0.02%; no homozygotes.

Submissions (2):

Labcorp Genetics (formerly Invitae), Labcorp
Classification: Uncertain significance. Last evaluated: 2026-01-02. Review status: criteria provided, single submitter. Criteria: Invitae Variant Classification Sherloc (09022015). Collection method: clinical testing. Allele origin: germline.
Comment: This sequence change replaces arginine, which is basic and polar, with histidine, which is basic and polar, at codon 83 of the LBR protein (p.Arg83His). This variant is present in population databases (rs780648797, gnomAD 0.01%). This variant has not been reported in the literature in individuals affected with LBR-related conditions. ClinVar contains an entry for this variant (Variation ID: 2394348). Invitae Evidence Modeling of protein sequence and biophysical properties (such as structural, functional, and spatial information, amino acid conservation, physicochemical variation, residue mobility, and thermodynamic stability) indicates that this missense variant is expected to disrupt LBR protein function with a positive predictive value of 95%. In summary, the available evidence is currently insufficient to determine the role of this variant in disease. Therefore, it has been classified as a Variant of Uncertain Significance.

Ambry Genetics
Classification: Uncertain significance for Inborn genetic diseases. Last evaluated: 2024-07-30. Review status: criteria provided, single submitter. Criteria: Ambry Variant Classification Scheme 2023. Collection method: clinical testing. Allele origin: germline.